The following is an entry in ClinVar:

ClinVar aggregate classification (germline): Conflicting classifications of pathogenicity. Review status: criteria provided, conflicting classifications (1 of 4 stars). 2 submissions from 2 submitters: Uncertain significance (1); Likely benign (1). Last evaluated 2025-06-23.

Conditions:
Cardiovascular phenotype. Identifiers: MedGen CN230736.
Danon disease. Also called: Glycogen Storage Disease Type IIb; PSEUDOGLYCOGENOSIS II; ANTOPOL DISEASE; GSD IIb; LYSOSOMAL GLYCOGEN STORAGE DISEASE WITHOUT ACID MALTASE DEFICIENCY. Identifiers: Orphanet 34587, MedGen C0878677, MONDO:0010281, OMIM 300257.

Submissions (2):

Ambry Genetics
Classification: Likely benign for Cardiovascular phenotype. Last evaluated: 2025-06-23. Review status: criteria provided, single submitter. Criteria: Ambry Variant Classification Scheme 2023. Collection method: clinical testing. Allele origin: germline.

Labcorp Genetics (formerly Invitae), Labcorp
Classification: Uncertain significance for Danon disease. Last evaluated: 2024-08-14. Review status: criteria provided, single submitter. Criteria: Invitae Variant Classification Sherloc (09022015). Collection method: clinical testing. Allele origin: germline.
Comment: This sequence change replaces proline, which is neutral and non-polar, with alanine, which is neutral and non-polar, at codon 94 of the LAMP2 protein (p.Pro94Ala). This variant is not present in population databases (gnomAD no frequency). This variant has not been reported in the literature in individuals affected with LAMP2-related conditions. ClinVar contains an entry for this variant (Variation ID: 1508973). Invitae Evidence Modeling of protein sequence and biophysical properties (such as structural, functional, and spatial information, amino acid conservation, physicochemical variation, residue mobility, and thermodynamic stability) indicates that this missense variant is not expected to disrupt LAMP2 protein function with a negative predictive value of 80%. In summary, the available evidence is currently insufficient to determine the role of this variant in disease. Therefore, it has been classified as a Variant of Uncertain Significance.

NM_002294.3(LAMP2):c.280C>G (p.Pro94Ala)

Gene: LAMP2 (lysosome associated membrane protein 2; minus strand). Cytogenetic location: Xq24.
Variant type: single nucleotide variant.
Coding change: c.280C>G on transcript NM_002294.3 (MANE Select); coding-DNA position 280, C replaced by G.
Protein change: p.Pro94Ala; replaces proline 94 with alanine.
Molecular consequence: missense variant.
Genome position (GRCh38, 1-based): chrX:120,455,474, G>C on the plus strand (C>G on the coding strand, the complement: LAMP2 is on the minus strand). VCF-style: chrX-120455474-G-C. GRCh37 (hg19) VCF-style: chrX-119589329-G-C.
Other names: c.280C>G (NM_002294.2); c.280C>G, p.Pro94Ala (NM_001122606.1, NM_013995.2); short protein forms P94A.
Identifiers: ClinVar variation 1508973 (VCV001508973.9), dbSNP rs2147286839, ClinGen allele CA414403223.